The following is an entry in ClinVar:

NM_000169.3(GLA):c.484T>G (p.Trp162Gly)

Genes: GLA (galactosidase alpha; minus strand), RPL36A-HNRNPH2 (RPL36A-HNRNPH2 readthrough; plus strand). Cytogenetic location: Xq22.1.
Variant type: single nucleotide variant.
Coding change: c.484T>G on transcript NM_000169.3 (MANE Select); coding-DNA position 484, T replaced by G.
Protein change: p.Trp162Gly; replaces tryptophan 162 with glycine.
Molecular consequence: missense variant. On other transcripts: non-coding transcript variant (3), intron variant (2).
Genome position (GRCh38, 1-based): chrX:101,401,695, A>C on the plus strand (T>G on the coding strand, the complement: GLA is on the minus strand). VCF-style: chrX-101401695-A-C. GRCh37 (hg19) VCF-style: chrX-100656683-A-C.
Other names: c.607T>G, p.Trp203Gly (NM_001406747.1, NM_001406749.1); c.484T>G, p.Trp162Gly (NM_001406748.1); c.300+6238A>C (NM_001199973.2); c.177+9873A>C (NM_001199974.2); short protein forms W162G, W203G.
Identifiers: ClinVar variation 4087385 (VCV004087385.3).

ClinVar aggregate classification (germline): Conflicting classifications of pathogenicity. Review status: criteria provided, conflicting classifications (1 of 4 stars). 2 submissions from 2 submitters: Pathogenic (1); Uncertain significance (1). Last evaluated 2026-09-08.

Conditions:
Fabry disease. Also called: ALPHA-GALACTOSIDASE A DEFICIENCY; ANDERSON-FABRY DISEASE; CERAMIDE TRIHEXOSIDASE DEFICIENCY; GLA DEFICIENCY; HEREDITARY DYSTOPIC LIPIDOSIS; Angiokeratoma corporis diffusum. Identifiers: Orphanet 324, MedGen C0002986, MONDO:0010526, OMIM 301500, HP:0001071. Disease mechanism: Fabry disease is due to inactivating mutations in the X-linked GLA gene resulting in deficiency of the enzyme Alpha Galactosidase-A., loss of function.

Submissions (2):

Genomenon, Inc
Classification: Pathogenic for Fabry disease. Last evaluated: 2026-09-08. Review status: criteria provided, single submitter. Criteria: Genomenon Sequence Variant Interpretation Standards - Updated. Collection method: curation. Allele origin: germline. Affected: yes.
Comment: GLA p.Trp162Gly (c.484T>G) is a missense variant that changes the amino acid at codon 162 from Tryptophan to Glycine. This variant has been observed in at least one proband with clinical features consistent with Fabry disease (PMID:32198894;31649303;34917096;32583479). At least one functional study has demonstrated a substantial alteration in protein function relative to the wild-type (PMID:32023956;32198894;27657681;23935525). This variant is located in a mutational hotspot and/or important functional domain. It is absent or not present at a significant frequency in gnomAD. In silico models predict that this variant is possibly or probably damaging. In conclusion, we classify GLA p.Trp162Gly (c.484T>G) as a pathogenic variant.

Serv. Biochemistry and Molecular genetics, Hospital Clinic de Barcelona, Hospital Clínic de Barcelona
Classification: Uncertain significance for Fabry disease. Last evaluated: 2026-05-21. Review status: criteria provided, single submitter. Criteria: ACMG Guidelines, 2015. Collection method: clinical testing. Allele origin: germline. Inheritance: X-linked inheritance. Affected: yes. Observed: 1 variant allele.
Comment: Classification reported in the manuscript using ACMG criteria/in silico tools: VUS. Variant type: Missense; amino acid change: p.Trp162Gly; The manuscript reports this combined finding in one individual; phase and HGVS-compliant compound representation were not specified. Criteria: PM1, PM2, PM5, PP2, PP3, PS4,

Literature cited by the submitters: PubMed 32198894 (cited by Genomenon, Inc and Serv. Biochemistry and Molecular genetics, Hospital Clinic de Barcelona, Hospital Clínic de Barcelona); PubMed 31649303 (cited by Genomenon, Inc and Serv. Biochemistry and Molecular genetics, Hospital Clinic de Barcelona, Hospital Clínic de Barcelona); PubMed 34917096 (cited by Genomenon, Inc and Serv. Biochemistry and Molecular genetics, Hospital Clinic de Barcelona, Hospital Clínic de Barcelona); PubMed 32583479 (cited by Genomenon, Inc and Serv. Biochemistry and Molecular genetics, Hospital Clinic de Barcelona, Hospital Clínic de Barcelona); PubMed 32023956 (cited by Genomenon, Inc and Serv. Biochemistry and Molecular genetics, Hospital Clinic de Barcelona, Hospital Clínic de Barcelona); PubMed 27657681 (cited by Genomenon, Inc and Serv. Biochemistry and Molecular genetics, Hospital Clinic de Barcelona, Hospital Clínic de Barcelona); PubMed 23935525 (cited by Genomenon, Inc and Serv. Biochemistry and Molecular genetics, Hospital Clinic de Barcelona, Hospital Clínic de Barcelona); PubMed 35512362 (cited by Serv. Biochemistry and Molecular genetics, Hospital Clinic de Barcelona, Hospital Clínic de Barcelona); PubMed 35971858 (cited by Serv. Biochemistry and Molecular genetics, Hospital Clinic de Barcelona, Hospital Clínic de Barcelona); PubMed 36709535 (cited by Serv. Biochemistry and Molecular genetics, Hospital Clinic de Barcelona, Hospital Clínic de Barcelona); PubMed 9100224 (cited by Serv. Biochemistry and Molecular genetics, Hospital Clinic de Barcelona, Hospital Clínic de Barcelona).